The following is an entry in ClinVar:

NM_000382.3(ALDH3A2):c.1443+1264A>G

Gene: ALDH3A2 (aldehyde dehydrogenase 3 family member A2; plus strand). Cytogenetic location: 17p11.2.
Variant type: single nucleotide variant.
Coding change: c.1443+1264A>G on transcript NM_000382.3 (MANE Select); 1264 bases into the intron after coding-DNA position 1443, A replaced by G.
Molecular consequence: intron variant. On other transcripts: missense variant (3).
Genome position (GRCh38, 1-based): chr17:19,673,220, A>G. VCF-style: chr17-19673220-A-G. GRCh37 (hg19) VCF-style: chr17-19576533-A-G.
Other names: c.1513A>G, p.Ser505Gly (NM_001031806.2, NM_001369136.1, NM_001369137.2); c.864+1264A>G (NM_001369148.2); c.1443+1264A>G (NM_001369138.2, NM_001369139.1); c.1208-2338A>G (NM_001369146.2); short protein forms S505G.
Identifiers: ClinVar variation 5003352 (VCV005003352.1).
Genomic context (GRCh38, chr17:19,673,220, plus strand): 5'-GCTGTGCTGAGGAGAAAGGCCCTGTTGATTTTTCTGGTAGTTCACAGACTGCGTTGGTCC[A>G]GTAAGCAGAGATGAACACCAGATTTCAAAACCCAGCCCTGTCTGTTAAGAGTGAGGTAGG-3'

ClinVar aggregate classification (germline): Uncertain significance (1 of 4 stars; one submission).

Conditions:
Sjögren-Larsson syndrome (SLS). Also called: FALDH DEFICIENCY; FATTY ALCOHOL:NAD+ OXIDOREDUCTASE DEFICIENCY; FATTY ALDEHYDE DEHYDROGENASE DEFICIENCY; ICHTHYOSIS, SPASTIC NEUROLOGIC DISORDER, AND OLIGOPHRENIA. Identifiers: Orphanet 816, MedGen C0037231, MONDO:0010031, OMIM 270200.

gnomAD v4.1: 67 of 1,614,204 alleles (0.0042%); highest among the groups gnomAD compares: African/African-American, 0.08%; no homozygotes.

Submission:

Myriad Genetics, Inc.
Classification: Uncertain significance for Sjögren-Larsson syndrome. Last evaluated: 2025-08-05. Review status: criteria provided, single submitter. Criteria: Myriad Autosomal Dominant, Autosomal Recessive and X-Linked Classification Criteria (2023). Collection method: clinical testing. Allele origin: unknown.
Comment: NM_000382.2(ALDH3A2):c.1443+1264A>G is an intronic variant classified as a variant of uncertain significance in the context of Sjogren-Larsson syndrome. c.1443+1264A>G has not been observed in cases with relevant disease. Relevant functional assessments of this variant are not available in the literature. c.1443+1264A>G has been observed in referenced population frequency databases. In summary, there is insufficient evidence to classify NM_000382.2(ALDH3A2):c.1443+1264A>G as pathogenic or benign. Please note: this variant was assessed in the context of healthy population screening.